The following is an entry in ClinVar:

NM_006736.6(DNAJB2):c.641T>C (p.Leu214Pro)

Gene: DNAJB2 (DnaJ heat shock protein family (Hsp40) member B2; plus strand). Cytogenetic location: 2q35.
Variant type: single nucleotide variant.
Coding change: c.641T>C on transcript NM_006736.6 (MANE Select); coding-DNA position 641, T replaced by C.
Protein change: p.Leu214Pro; replaces leucine 214 with proline.
Molecular consequence: missense variant.
Genome position (GRCh38, 1-based): chr2:219,284,653, T>C. VCF-style: chr2-219284653-T-C. GRCh37 (hg19) VCF-style: chr2-220149375-T-C.
Other names: c.641T>C, p.Leu214Pro (NM_001039550.2); short protein forms L214P.
Identifiers: ClinVar variation 2080555 (VCV002080555.1), dbSNP rs752021061, ClinGen allele CA2123070.

ClinVar aggregate classification (germline): Uncertain significance (1 of 4 stars; one submission).

Conditions:
Neuronopathy, distal hereditary motor, autosomal recessive 5. Also called: Spinal muscular atrophy, distal, autosomal recessive, 5; NEUROPATHY, DISTAL HEREDITARY MOTOR, AUTOSOMAL RECESSIVE 5; Young adult-onset distal hereditary motor neuropathy. Identifiers: Orphanet 314485, Orphanet 443950, MedGen C4749918, MONDO:0013947, OMIM 614881.

Allele frequency attached by ClinVar (database versions not stated): ExAC 0.00002; gnomAD 0.00001; TOPMed 0.00001; gnomAD exomes 0.00005.

Submission:

Labcorp Genetics (formerly Invitae), Labcorp
Classification: Uncertain significance for Neuronopathy, distal hereditary motor, autosomal recessive 5. Last evaluated: 2022-04-28. Review status: criteria provided, single submitter. Criteria: Invitae Variant Classification Sherloc (09022015). Collection method: clinical testing. Allele origin: germline.
Comment: This sequence change replaces leucine, which is neutral and non-polar, with proline, which is neutral and non-polar, at codon 214 of the DNAJB2 protein (p.Leu214Pro). This variant is present in population databases (rs752021061, gnomAD 0.004%). This variant has not been reported in the literature in individuals affected with DNAJB2-related conditions. Algorithms developed to predict the effect of missense changes on protein structure and function are either unavailable or do not agree on the potential impact of this missense change (SIFT: "Deleterious"; PolyPhen-2: "Benign"; Align-GVGD: "Class C0"). In summary, the available evidence is currently insufficient to determine the role of this variant in disease. Therefore, it has been classified as a Variant of Uncertain Significance.